The following is an entry in ClinVar:

ClinVar aggregate classification (germline): Benign/Likely benign. Review status: criteria provided, multiple submitters, no conflicts (2 of 4 stars). 2 submissions from 2 submitters: Benign (1); Likely benign (1). Last evaluated 2026-04-20.

Conditions:
Hereditary cancer-predisposing syndrome. Also called: Neoplastic Syndromes, Hereditary; Tumor predisposition; Hereditary neoplastic syndrome; Hereditary Cancer Syndrome. Identifiers: Orphanet 140162, MedGen C0027672, MeSH D009386, MONDO:0015356.
DICER1-related tumor predisposition. Also called: DICER1-related pleuropulmonary blastoma cancer predisposition syndrome; DICER1 syndrome. Identifiers: Orphanet 284343, MedGen C3839822, MONDO:0100216.

Submissions (2):

Myriad Genetics, Inc.
Classification: Benign for DICER1-related tumor predisposition. Last evaluated: 2026-04-20. Review status: criteria provided, single submitter. Criteria: Myriad Autosomal Dominant, Autosomal Recessive and X-Linked Classification Criteria (2023). Collection method: clinical testing. Allele origin: unknown.
Comment: This variant is considered benign. This variant is a silent/synonymous amino acid change and it is not expected to impact splicing.

Ambry Genetics
Classification: Likely benign for Hereditary cancer-predisposing syndrome. Last evaluated: 2023-08-30. Review status: criteria provided, single submitter. Criteria: Ambry Variant Classification Scheme 2023. Collection method: clinical testing. Allele origin: germline.

NM_177438.3(DICER1):c.5166A>G (p.Glu1722=)

Gene: DICER1 (dicer 1, ribonuclease III; minus strand). Cytogenetic location: 14q32.13.
Variant type: single nucleotide variant.
Coding change: c.5166A>G on transcript NM_177438.3 (MANE Select); coding-DNA position 5166, A replaced by G.
Protein change: p.Glu1722=; no amino-acid change (glutamic acid 1722 retained).
Molecular consequence: synonymous variant. On other transcripts: non-coding transcript variant (6).
Genome position (GRCh38, 1-based): chr14:95,094,086, T>C on the plus strand (A>G on the coding strand, the complement: DICER1 is on the minus strand). VCF-style: chr14-95094086-T-C. GRCh37 (hg19) VCF-style: chr14-95560423-T-C.
Other names: c.5166A>G, p.Glu1722= (NM_001195573.1, NM_001271282.3, NM_001291628.2 and 9 more transcripts); c.4884A>G, p.Glu1628= (NM_001395686.1); c.4761A>G, p.Glu1587= (NM_001395687.1, NM_001395688.1, NM_001395689.1 and 1 more transcripts); c.4599A>G, p.Glu1533= (NM_001395691.1); c.3483A>G, p.Glu1161= (NM_001395697.1).
Identifiers: ClinVar variation 2586428 (VCV002586428.3), dbSNP rs2139814853, ClinGen allele CA487843922.
Genomic context (GRCh38, chr14:95,094,086, plus strand): 5'-GTTGTTGACCAGGGCAGACCGCAGGTCTGTCAGGACCCCCGGGGAGTGCTGCCGCGGGTC[T>C]TCATAAAGGTGCTTGGTTATGAGGTAGTCCAAAATCGCATCTCCCAGGAATTCTAAGCGC-3'
Protein context (NP_803187.1, residues 1712-1732): LDYLITKHLY[Glu1722=]DPRQHSPGVL